The following is an entry in ClinVar:

NM_017807.4(OSGEP):c.778G>C (p.Val260Leu)

Gene: OSGEP (O-sialoglycoprotein endopeptidase; minus strand). Cytogenetic location: 14q11.2.
Variant type: single nucleotide variant.
Coding change: c.778G>C on transcript NM_017807.4 (MANE Select); coding-DNA position 778, G replaced by C.
Protein change: p.Val260Leu; replaces valine 260 with leucine.
Molecular consequence: missense variant.
Genome position (GRCh38, 1-based): chr14:20,447,919, C>G on the plus strand (G>C on the coding strand, the complement: OSGEP is on the minus strand). VCF-style: chr14-20447919-C-G. GRCh37 (hg19) VCF-style: chr14-20916078-C-G.
Other names: short protein forms V260L.
Identifiers: ClinVar variation 1313290 (VCV001313290.3), dbSNP rs2139289620, ClinGen allele CA389118396.

ClinVar aggregate classification (germline): Uncertain significance (1 of 4 stars; one submission).

Submission:

GeneDx
Classification: Uncertain significance. Last evaluated: 2026-01-28. Review status: criteria provided, single submitter. Criteria: GeneDx Variant Classification Process June 2021. Collection method: clinical testing. Allele origin: germline. Affected: yes.
Comment: Not observed at significant frequency in large population cohorts (gnomAD); In silico analysis supports that this missense variant has a deleterious effect on protein structure/function; Has not been previously published as pathogenic or benign to our knowledge